The following is an entry in ClinVar:

NM_001174147.2(LMX1B):c.746G>T (p.Arg249Leu)

Gene: LMX1B (LIM homeobox transcription factor 1 beta; plus strand). Cytogenetic location: 9q33.3.
Variant type: single nucleotide variant.
Coding change: c.746G>T on transcript NM_001174147.2 (MANE Select); coding-DNA position 746, G replaced by T.
Protein change: p.Arg249Leu; replaces arginine 249 with leucine.
Molecular consequence: missense variant.
Genome position (GRCh38, 1-based): chr9:126,693,528, G>T. VCF-style: chr9-126693528-G-T. GRCh37 (hg19) VCF-style: chr9-129455807-G-T.
Other names: c.746G>T, p.Arg249Leu (NM_001174146.2, NM_002316.4); short protein forms R249L.
Identifiers: ClinVar variation 2699625 (VCV002699625.3), dbSNP rs1056252582, ClinGen allele CA374913773.

ClinVar aggregate classification (germline): Uncertain significance (1 of 4 stars; one submission).

Submission:

Labcorp Genetics (formerly Invitae), Labcorp
Classification: Uncertain significance. Last evaluated: 2023-12-30. Review status: criteria provided, single submitter. Criteria: Invitae Variant Classification Sherloc (09022015). Collection method: clinical testing. Allele origin: germline.
Comment: This sequence change replaces arginine, which is basic and polar, with leucine, which is neutral and non-polar, at codon 249 of the LMX1B protein (p.Arg249Leu). This variant is not present in population databases (gnomAD no frequency). This variant has not been reported in the literature in individuals affected with LMX1B-related conditions. Advanced modeling of protein sequence and biophysical properties (such as structural, functional, and spatial information, amino acid conservation, physicochemical variation, residue mobility, and thermodynamic stability) performed at Invitae indicates that this missense variant is not expected to disrupt LMX1B protein function with a negative predictive value of 80%. This variant disrupts the p.Arg249 amino acid residue in LMX1B. Other variant(s) that disrupt this residue have been observed in individuals with LMX1B-related conditions (PMID: 9837817, 25713721, 34076843, 35487415), which suggests that this may be a clinically significant amino acid residue. In summary, the available evidence is currently insufficient to determine the role of this variant in disease. Therefore, it has been classified as a Variant of Uncertain Significance.

Literature cited by the submitters: PubMed 9837817; PubMed 25713721; PubMed 34076843; PubMed 35487415.